The following is an entry in ClinVar:

NM_000059.4(BRCA2):c.8433T>A (p.Asp2811Glu)

Gene: BRCA2 (BRCA2 DNA repair associated; plus strand). Cytogenetic location: 13q13.1.
Variant type: single nucleotide variant.
Coding change: c.8433T>A on transcript NM_000059.4 (MANE Select); coding-DNA position 8433, T replaced by A.
Protein change: p.Asp2811Glu; replaces aspartic acid 2811 with glutamic acid.
Molecular consequence: missense variant. On other transcripts: non-coding transcript variant (1).
Genome position (GRCh38, 1-based): chr13:32,370,503, T>A. VCF-style: chr13-32370503-T-A. GRCh37 (hg19) VCF-style: chr13-32944640-T-A.
Other names: c.8337T>A, p.Asp2779Glu (NM_001406719.1); c.8433T>A, p.Asp2811Glu (NM_001406720.1, NM_001432077.1); c.3501T>A, p.Asp1167Glu (NM_001406721.1); c.2016T>A, p.Asp672Glu (NM_001406722.1); short protein forms D1167E, D672E, D2779E, D2811E.
Identifiers: ClinVar variation 3636539 (VCV003636539.2).

ClinVar aggregate classification (germline): Uncertain significance (1 of 4 stars; one submission).

Conditions:
Hereditary breast ovarian cancer syndrome. Also called: Hereditary breast and ovarian cancer syndrome; Hereditary breast and ovarian cancer syndrome (HBOC); BRCA1- and BRCA2-Associated Hereditary Breast and Ovarian Cancer; Hereditary breast and ovarian cancer; Breast and ovarian cancer; Hereditary breast and/or ovarian cancer syndrome. Identifiers: Orphanet 145, MedGen C0677776, MeSH D061325, MONDO:0003582. Disease mechanism: loss of function.

Submission:

Labcorp Genetics (formerly Invitae), Labcorp
Classification: Uncertain significance for Hereditary breast ovarian cancer syndrome. Last evaluated: 2024-12-12. Review status: criteria provided, single submitter. Criteria: Invitae Variant Classification Sherloc (09022015). Collection method: clinical testing. Allele origin: germline.
Comment: This sequence change replaces aspartic acid, which is acidic and polar, with glutamic acid, which is acidic and polar, at codon 2811 of the BRCA2 protein (p.Asp2811Glu). This variant is not present in population databases (gnomAD no frequency). This variant has not been reported in the literature in individuals affected with BRCA2-related conditions. Invitae Evidence Modeling of protein sequence and biophysical properties (such as structural, functional, and spatial information, amino acid conservation, physicochemical variation, residue mobility, and thermodynamic stability) indicates that this missense variant is not expected to disrupt BRCA2 protein function with a negative predictive value of 95%. In summary, the available evidence is currently insufficient to determine the role of this variant in disease. Therefore, it has been classified as a Variant of Uncertain Significance.